The following is an entry in ClinVar:

ClinVar aggregate classification (germline): Likely benign. Review status: reviewed by expert panel (3 of 4 stars). 3 submissions from 3 submitters: Likely benign (1). 2 of the submissions do not count toward it. Last evaluated 2025-01-09.

Conditions:
Autosomal recessive limb-girdle muscular dystrophy. Identifiers: Orphanet 102015, MedGen C2931907, MONDO:0015152.
Autosomal recessive limb-girdle muscular dystrophy type 2E (LGMDR4). Also called: MUSCULAR DYSTROPHY, LIMB-GIRDLE, AUTOSOMAL RECESSIVE 4. Identifiers: Orphanet 119, MedGen C1858593, MONDO:0011423, OMIM 604286. Disease mechanism: Affects gamma-sarcoglycan and also disrupts the integrity of the entire sarcoglycan complex..

Allele frequency attached by ClinVar (database versions not stated): gnomAD exomes below 0.00001 and 0.00002; ExAC 0.00002; TOPMed 0.00002; gnomAD 0.00003 and 0.00004.
gnomAD v4.1: 11 of 1,613,892 alleles (0.00068%); highest among the groups gnomAD compares: East Asian, 0.022%; no homozygotes.

Submissions (3):

ClinGen Limb Girdle Muscular Dystrophy Variant Curation Expert Panel, ClinGen
Classification: Likely benign for Autosomal recessive limb-girdle muscular dystrophy. Last evaluated: 2025-01-09. Review status: reviewed by expert panel. Criteria: ClinGen LGMD VCEP ACMG Specifications SGCB V1.0.0. Collection method: curation. Allele origin: germline. Inheritance: Autosomal recessive inheritance.
Comment: The NM_000232.5: c.282A>G p.(Pro94=) variant in SGCB is a synonymous (silent) variant that is not predicted to influence splicing by SpliceAI (score 0) (BP4, BP7). The highest population minor allele frequency in gnomAD v3.1.2 is 0.0009626 (5/5194 genome alleles) in the East Asian population (PM2_Supporting, BS1, BA1 not met). In summary, this variant meets the criteria to be classified as Likely Benign for autosomal recessive limb girdle muscular dystrophy based on the ACMG/AMP criteria applied, as specified by the ClinGen LGMD VCEP (LGMD VCEP specifications version 1.0.0; 01/09/2025): BP4, BP7.

Labcorp Genetics (formerly Invitae), Labcorp
Classification: Likely benign for Autosomal recessive limb-girdle muscular dystrophy type 2E. Last evaluated: 2025-12-02. Review status: criteria provided, single submitter. Criteria: Invitae Variant Classification Sherloc (09022015). Collection method: clinical testing. Allele origin: germline. Not counted in ClinVar's aggregate classification.

Eurofins Ntd Llc (ga)
Classification: Uncertain significance. Last evaluated: 2017-01-04. Review status: criteria provided, single submitter. Criteria: EGL Classification Definitions 2015. Collection method: clinical testing. Allele origin: germline. Observed: 1 variant allele, 1 heterozygote. Not counted in ClinVar's aggregate classification.

NM_000232.5(SGCB):c.282A>G (p.Pro94=)

Gene: SGCB (sarcoglycan beta; minus strand). Cytogenetic location: 4q12.
Variant type: single nucleotide variant.
Coding change: c.282A>G on transcript NM_000232.5 (MANE Select); coding-DNA position 282, A replaced by G.
Protein change: p.Pro94=; no amino-acid change (proline 94 retained).
Molecular consequence: synonymous variant.
Genome position (GRCh38, 1-based): chr4:52,029,825, T>C on the plus strand (A>G on the coding strand, the complement: SGCB is on the minus strand). VCF-style: chr4-52029825-T-C. GRCh37 (hg19) VCF-style: chr4-52895991-T-C.
Other names: NM_000232.5(SGCB):c.282A>G; p.Pro94=.
Identifiers: ClinVar variation 499302 (VCV000499302.14), dbSNP rs746957769, ClinGen allele CA2918441.